The following is an entry in ClinVar:

NM_006348.3(COG5):c.-34G>T

Genes: COG5 (component of oligomeric golgi complex 5; minus strand), DUS4L (dihydrouridine synthase 4 like; plus strand), DUS4L-BCAP29 (DUS4L-BCAP29 readthrough; plus strand). Cytogenetic location: 7q22.3.
Variant type: single nucleotide variant.
Coding change: c.-34G>T on transcript NM_006348.3; 34 bases upstream of the start codon, G replaced by T.
Molecular consequence: 5 prime UTR variant (on NM_181581.3). On other transcripts: non-coding transcript variant (7).
Genome position (GRCh38, 1-based): chr7:107,564,023, C>A on the plus strand (G>T on the coding strand, the complement: COG5 is on the minus strand). VCF-style: chr7-107564023-C-A. GRCh37 (hg19) VCF-style: chr7-107204468-C-A.
Other names: c.-147C>A (NM_001270419.2); c.-297C>A (NM_181581.3, NM_001371364.2, NM_001371366.2); c.-335C>A (NM_001371365.2); c.-208C>A (NM_001371367.2).
Identifiers: ClinVar variation 511277 (VCV000511277.3), dbSNP rs1173146970, ClinGen allele CA658796991.

ClinVar aggregate classification (germline): Likely benign (1 of 4 stars; one submission).

Allele frequency attached by ClinVar (database versions not stated): TOPMed below 0.00001.
gnomAD v4.1: 1 of 1,542,186 alleles (0.000065%); highest among the groups gnomAD compares: Non-Finnish European, 0.000087%; no homozygotes.

Submission:

GeneDx
Classification: Likely benign. Last evaluated: 2017-08-18. Review status: criteria provided, single submitter. Criteria: GeneDx Variant Classification (06012015). Collection method: clinical testing. Allele origin: germline. Affected: yes.
Comment: This variant is considered likely benign or benign based on one or more of the following criteria: it is a conservative change, it occurs at a poorly conserved position in the protein, it is predicted to be benign by multiple in silico algorithms, and/or has population frequency not consistent with disease.